The following is an entry in ClinVar:

ClinVar aggregate classification (germline): Uncertain significance (1 of 4 stars; one submission).

Submission:

Labcorp Genetics (formerly Invitae), Labcorp
Classification: Uncertain significance. Last evaluated: 2022-09-27. Review status: criteria provided, single submitter. Criteria: Invitae Variant Classification Sherloc (09022015). Collection method: clinical testing. Allele origin: germline.
Comment: This sequence change replaces proline, which is neutral and non-polar, with leucine, which is neutral and non-polar, at codon 1515 of the COL4A4 protein (p.Pro1515Leu). This variant is not present in population databases (gnomAD no frequency). This variant has not been reported in the literature in individuals affected with COL4A4-related conditions. Advanced modeling of protein sequence and biophysical properties (such as structural, functional, and spatial information, amino acid conservation, physicochemical variation, residue mobility, and thermodynamic stability) performed at Invitae indicates that this missense variant is not expected to disrupt COL4A4 protein function. In summary, the available evidence is currently insufficient to determine the role of this variant in disease. Therefore, it has been classified as a Variant of Uncertain Significance.

NM_000092.5(COL4A4):c.4544C>T (p.Pro1515Leu)

Gene: COL4A4 (collagen type IV alpha 4 chain; minus strand). Cytogenetic location: 2q36.3.
Variant type: single nucleotide variant.
Coding change: c.4544C>T on transcript NM_000092.5 (MANE Select); coding-DNA position 4544, C replaced by T.
Protein change: p.Pro1515Leu; replaces proline 1515 with leucine.
Molecular consequence: missense variant.
Genome position (GRCh38, 1-based): chr2:227,008,283, G>A on the plus strand (C>T on the coding strand, the complement: COL4A4 is on the minus strand). VCF-style: chr2-227008283-G-A. GRCh37 (hg19) VCF-style: chr2-227872999-G-A.
Other names: short protein forms P1515L.
Identifiers: ClinVar variation 1720527 (VCV001720527.3), dbSNP rs1962650015, ClinGen allele CA351141002.